The following is an entry in ClinVar:

ClinVar aggregate classification (germline): Uncertain significance. Review status: criteria provided, multiple submitters, no conflicts (2 of 4 stars). 2 submissions from 2 submitters: Uncertain significance (2). Last evaluated 2023-10-01.

Conditions:
Retinal dystrophy. Also called: Inherited retinal dystrophy. Identifiers: Orphanet 71862, MedGen C0854723, MeSH D058499, MONDO:0019118, HP:0000556.

Allele frequency attached by ClinVar (database versions not stated): TOPMed 0.00001.

Submissions (2):

Dept Of Ophthalmology, Nagoya University
Classification: Uncertain significance for Retinal dystrophy. Last evaluated: 2023-10-01. Review status: criteria provided, single submitter. Criteria: Submitter's publication. Collection method: research. Allele origin: germline. Affected: yes.

Labcorp Genetics (formerly Invitae), Labcorp
Classification: Uncertain significance. Last evaluated: 2023-03-14. Review status: criteria provided, single submitter. Criteria: Invitae Variant Classification Sherloc (09022015). Collection method: clinical testing. Allele origin: germline.
Comment: In summary, the available evidence is currently insufficient to determine the role of this variant in disease. Therefore, it has been classified as a Variant of Uncertain Significance. Advanced modeling of protein sequence and biophysical properties (such as structural, functional, and spatial information, amino acid conservation, physicochemical variation, residue mobility, and thermodynamic stability) performed at Invitae indicates that this missense variant is expected to disrupt PRPF3 protein function. This variant has not been reported in the literature in individuals affected with PRPF3-related conditions. This variant is not present in population databases (gnomAD no frequency). This sequence change replaces glutamine, which is neutral and polar, with glutamic acid, which is acidic and polar, at codon 461 of the PRPF3 protein (p.Gln461Glu).

NM_004698.4(PRPF3):c.1381C>G (p.Gln461Glu)

Gene: PRPF3 (pre-mRNA processing factor 3; plus strand). Cytogenetic location: 1q21.2.
Variant type: single nucleotide variant.
Coding change: c.1381C>G on transcript NM_004698.4 (MANE Select); coding-DNA position 1381, C replaced by G.
Protein change: p.Gln461Glu; replaces glutamine 461 with glutamic acid.
Molecular consequence: missense variant. On other transcripts: non-coding transcript variant (4).
Genome position (GRCh38, 1-based): chr1:150,343,407, C>G. VCF-style: chr1-150343407-C-G. GRCh37 (hg19) VCF-style: chr1-150315883-C-G.
Other names: c.976C>G, p.Gln326Glu (NM_001350529.1); short protein forms Q326E, Q461E.
Identifiers: ClinVar variation 2825051 (VCV002825051.4), dbSNP rs1657983991, ClinGen allele CA342280032.